The following is an entry in ClinVar:

ClinVar aggregate classification (germline): Uncertain significance (1 of 4 stars; one submission).

Conditions:
Martsolf syndrome (MARTS). Also called: Congenital cataract with intellectual disability and hypogonadotropic hypogonadism syndrome. Identifiers: Orphanet 1387, MedGen C0796037, MONDO:0023910.
Warburg micro syndrome 2 (WARBM2). Also called: MICRO SYNDROME 2. Identifiers: Orphanet 2510, MedGen C3280214, MONDO:0013641, OMIM 614225.

Allele frequency attached by ClinVar (database versions not stated): gnomAD exomes below 0.00001.
gnomAD v4.1: 1 of 1,546,866 alleles (0.000065%); highest among the groups gnomAD compares: Non-Finnish European, 0.000089%; no homozygotes.

Submission:

Labcorp Genetics (formerly Invitae), Labcorp
Classification: Uncertain significance for Martsolf syndrome; Warburg micro syndrome 2. Last evaluated: 2022-07-05. Review status: criteria provided, single submitter. Criteria: Invitae Variant Classification Sherloc (09022015). Collection method: clinical testing. Allele origin: germline.
Comment: In summary, the available evidence is currently insufficient to determine the role of this variant in disease. Therefore, it has been classified as a Variant of Uncertain Significance. Variants that disrupt the consensus splice site are a relatively common cause of aberrant splicing (PMID: 17576681, 9536098). Algorithms developed to predict the effect of sequence changes on RNA splicing suggest that this variant is not likely to affect RNA splicing. This variant has not been reported in the literature in individuals affected with RAB3GAP2-related conditions. This variant is not present in population databases (gnomAD no frequency). This sequence change falls in intron 28 of the RAB3GAP2 gene. It does not directly change the encoded amino acid sequence of the RAB3GAP2 protein. It affects a nucleotide within the consensus splice site.

Literature cited by the submitters: PubMed 17576681; PubMed 9536098.

NM_012414.4(RAB3GAP2):c.3225+5G>C

Gene: RAB3GAP2 (RAB3 GTPase activating non-catalytic protein subunit 2; minus strand). Cytogenetic location: 1q41.
Variant type: single nucleotide variant.
Coding change: c.3225+5G>C on transcript NM_012414.4 (MANE Select); 5 bases into the intron after coding-DNA position 3225, G replaced by C.
Molecular consequence: intron variant.
Genome position (GRCh38, 1-based): chr1:220,162,193, C>G on the plus strand (G>C on the coding strand, the complement: RAB3GAP2 is on the minus strand). VCF-style: chr1-220162193-C-G. GRCh37 (hg19) VCF-style: chr1-220335535-C-G.
Identifiers: ClinVar variation 2126447 (VCV002126447.4), dbSNP rs2528624342, ClinGen allele CA2580062209.